The following is an entry in ClinVar:

NM_000419.5(ITGA2B):c.2336T>C (p.Val779Ala)

Gene: ITGA2B (integrin subunit alpha 2b; minus strand). Cytogenetic location: 17q21.31.
Variant type: single nucleotide variant.
Coding change: c.2336T>C on transcript NM_000419.5 (MANE Select); coding-DNA position 2336, T replaced by C.
Protein change: p.Val779Ala; replaces valine 779 with alanine.
Molecular consequence: missense variant.
Genome position (GRCh38, 1-based): chr17:44,376,320, A>G on the plus strand (T>C on the coding strand, the complement: ITGA2B is on the minus strand). VCF-style: chr17-44376320-A-G. GRCh37 (hg19) VCF-style: chr17-42453688-A-G.
Other names: short protein forms V779A.
Identifiers: ClinVar variation 2887278 (VCV002887278.3), dbSNP rs764819935, ClinGen allele CA8602732.

ClinVar aggregate classification (germline): Likely pathogenic (1 of 4 stars; one submission).

Conditions:
Glanzmann thrombasthenia. Also called: Glanzmann's thrombasthenia; BLEEDING DISORDER, PLATELET-TYPE, 2; THROMBASTHENIA OF GLANZMANN AND NAEGELI; Thrombasthenia; PLATELET GLYCOPROTEIN IIb-IIIa DEFICIENCY. Identifiers: Orphanet 849, MedGen C0040015, MONDO:0100326.

Allele frequency attached by ClinVar (database versions not stated): TOPMed below 0.00001; gnomAD exomes 0.00001; ExAC 0.00002.

Submission:

Labcorp Genetics (formerly Invitae), Labcorp
Classification: Likely pathogenic for Glanzmann thrombasthenia. Last evaluated: 2025-12-15. Review status: criteria provided, single submitter. Criteria: Invitae Variant Classification Sherloc (09022015). Collection method: clinical testing. Allele origin: germline.
Comment: This sequence change replaces valine, which is neutral and non-polar, with alanine, which is neutral and non-polar, at codon 779 of the ITGA2B protein (p.Val779Ala). This variant is present in population databases (rs764819935, gnomAD 0.01%). This missense change has been observed in individual(s) with clinical features of Glanzmann thrombasthenia (internal data). In at least one individual the data is consistent with being in trans (on the opposite chromosome) from a pathogenic variant. ClinVar contains an entry for this variant (Variation ID: 2887278). Invitae Evidence Modeling of protein sequence and biophysical properties (such as structural, functional, and spatial information, amino acid conservation, physicochemical variation, residue mobility, and thermodynamic stability) indicates that this missense variant is expected to disrupt ITGA2B protein function with a positive predictive value of 95%. In summary, the currently available evidence indicates that the variant is pathogenic, but additional data are needed to prove that conclusively. Therefore, this variant has been classified as Likely Pathogenic.